The following is an entry in ClinVar:

ClinVar aggregate classification (germline): Conflicting classifications of pathogenicity. Review status: criteria provided, conflicting classifications (1 of 4 stars). 13 submissions from 11 submitters: Uncertain significance (3); Benign (2); Likely benign (8). Last evaluated 2026-10-01.

Conditions:
DSP-related disorder. Also called: DSP-related condition; DSP-related disorders.
Cardiovascular phenotype. Identifiers: MedGen CN230736.
Arrhythmogenic cardiomyopathy with wooly hair and keratoderma. Also called: PALMOPLANTAR KERATODERMA WITH LEFT VENTRICULAR CARDIOMYOPATHY AND WOOLLY HAIR; Carvajal syndrome; Dilated cardiomyopathy with woolly hair and keratoderma; Arrhythmogenic cardiomyopathy with woolly hair and keratoderma. Identifiers: Orphanet 65282, MedGen C1854063, MONDO:0011581, OMIM 605676.
Arrhythmogenic right ventricular dysplasia 8 (ARVD8). Also called: ARRHYTHMOGENIC RIGHT VENTRICULAR DYSPLASIA, FAMILIAL, 8; ARRHYTHMOGENIC RIGHT VENTRICULAR CARDIOMYOPATHY 8; Arrhythmogenic Right Ventricular Dysplasia/Cardiomyopathy 8. Identifiers: MedGen C1843896, MONDO:0011831, OMIM 607450.
Cardiomyopathy (CMYO). Also called: Cardiomyopathies. Identifiers: Orphanet 167848, MedGen C0878544, MONDO:0004994, HP:0001638. Inheritance: Various modes of inheritance.
Woolly hair-skin fragility syndrome (WHSF). Identifiers: Orphanet 293165, MedGen C1843292, MONDO:0957307, OMIM 620415.
Lethal acantholytic epidermolysis bullosa (EBLA). Identifiers: Orphanet 158687, MedGen C1864826, MONDO:0012323, OMIM 609638.

Allele frequency attached by ClinVar (database versions not stated): gnomAD 0.00004 and 0.00005; gnomAD exomes 0.00004 and 0.00010; ExAC 0.00007; TOPMed 0.00008.
gnomAD v4.1: 81 of 1,613,862 alleles (0.005%); highest among the groups gnomAD compares: Admixed American, 0.027%; no homozygotes.

Submissions (13):

CeGaT Center for Human Genetics Tuebingen
Classification: Likely benign. Last evaluated: 2026-10-01. Review status: criteria provided, single submitter. Criteria: CeGaT Center For Human Genetics Tuebingen Variant Classification Criteria Version 2. Collection method: clinical testing. Allele origin: germline. Affected: yes. Observed: 9 variant alleles.
Comment: DSP: BP4, BP7

PreventionGenetics, part of Exact Sciences
Classification: Likely benign for DSP-related condition. Last evaluated: 2026-01-21. Review status: criteria provided, single submitter. Criteria: ACMG Guidelines, 2015. Collection method: clinical testing. Allele origin: germline.
Comment: This variant is classified as likely benign based on ACMG/AMP sequence variant interpretation guidelines (Richards et al. 2015 PMID: 25741868, with internal and published modifications).

Labcorp Genetics (formerly Invitae), Labcorp
Classification: Likely benign for Arrhythmogenic cardiomyopathy with wooly hair and keratoderma; Arrhythmogenic right ventricular dysplasia 8. Last evaluated: 2026-01-15. Review status: criteria provided, single submitter. Criteria: Invitae Variant Classification Sherloc (09022015). Collection method: clinical testing. Allele origin: germline.

Molecular Diagnostic Laboratory for Inherited Cardiovascular Disease, Montreal Heart Institute
Classification: Likely benign. Last evaluated: 2025-02-17. Review status: criteria provided, single submitter. Criteria: ACMG Guidelines, 2015. Collection method: clinical testing. Allele origin: germline. Affected: no.
Comment: BP6;BP7

Blueprint Genetics
Classification: Likely benign. Last evaluated: 2024-09-04. Review status: criteria provided, single submitter. Criteria: ACMG Guidelines, 2015. Collection method: clinical testing. Allele origin: germline.

Ambry Genetics
Classification: Benign for Cardiovascular phenotype. Last evaluated: 2021-09-20. Review status: criteria provided, single submitter. Criteria: Ambry Variant Classification Scheme 2023. Collection method: clinical testing. Allele origin: germline.

Color Diagnostics, LLC DBA Color Health
Classification: Likely benign for Cardiomyopathy. Last evaluated: 2019-01-11. Review status: criteria provided, single submitter. Criteria: ACMG Guidelines, 2015. Collection method: clinical testing. Allele origin: germline.

GeneDx
Classification: Likely benign. Last evaluated: 2019-01-03. Review status: criteria provided, single submitter. Criteria: GeneDx Variant Classification Process June 2021. Collection method: clinical testing. Allele origin: germline. Affected: yes.

Illumina Laboratory Services, Illumina
Classification: Uncertain significance for Lethal acantholytic epidermolysis bullosa. Last evaluated: 2018-01-12. Review status: criteria provided, single submitter. Criteria: ICSL Variant Classification Criteria 13 December 2019. Collection method: clinical testing. Allele origin: germline.

Illumina Laboratory Services, Illumina
Classification: Uncertain significance for Arrhythmogenic cardiomyopathy with wooly hair and keratoderma. Last evaluated: 2018-01-12. Review status: criteria provided, single submitter. Criteria: ICSL Variant Classification Criteria 13 December 2019. Collection method: clinical testing. Allele origin: germline.

Illumina Laboratory Services, Illumina
Classification: Uncertain significance for Arrhythmogenic right ventricular dysplasia 8. Last evaluated: 2018-01-12. Review status: criteria provided, single submitter. Criteria: ICSL Variant Classification Criteria 13 December 2019. Collection method: clinical testing. Allele origin: germline.

Women's Health and Genetics/Laboratory Corporation of America, LabCorp
Classification: Benign. Last evaluated: 2017-02-13. Review status: criteria provided, single submitter. Criteria: LabCorp Variant Classification Summary - May 2015. Collection method: clinical testing. Allele origin: germline.
Comment: Variant summary: The DSP c.264C>T (p.Ile88Ile) variant involves the alteration of a non-conserved nucleotide, resulting in a synonymous change. One in silico tool predicts a damaging outcome for this variant. 5/5 splice prediction tools predict no significant impact on normal splicing. ESE finder predicts that this variant does not affect any ESE site. One clinical diagnostic laboratory classified this variant as likely benign. This variant was found in 8/115750 control chromosomes at a frequency of 0.0000691, which is approximately 7 times the estimated maximal expected allele frequency of a pathogenic DSP variant (0.00001), suggesting this variant is likely a benign polymorphism. Taken together, this variant is classified as benign.

Laboratory for Molecular Medicine, Mass General Brigham Personalized Medicine
Classification: Likely benign. Last evaluated: 2014-09-25. Review status: criteria provided, single submitter. Criteria: LMM Criteria. Collection method: clinical testing. Allele origin: germline. Observed: 1 variant allele.
Comment: Ile88Ile in exon 2 of DSP: This variant is not expected to have clinical signifi cance because it does not alter an amino acid residue and is not located within the splice consensus sequence.

NM_004415.4(DSP):c.264C>T (p.Ile88=)

Gene: DSP (desmoplakin; plus strand). Cytogenetic location: 6p24.3.
Variant type: single nucleotide variant.
Coding change: c.264C>T on transcript NM_004415.4 (MANE Select); coding-DNA position 264, C replaced by T.
Protein change: p.Ile88=; no amino-acid change (isoleucine 88 retained).
Molecular consequence: synonymous variant.
Genome position (GRCh38, 1-based): chr6:7,555,811, C>T. VCF-style: chr6-7555811-C-T. GRCh37 (hg19) VCF-style: chr6-7556044-C-T.
Other names: c.264C>T, p.Ile88= (NM_001008844.3, NM_001319034.2); c.264C>T (NM_004415.3).
Identifiers: ClinVar variation 163235 (VCV000163235.63), dbSNP rs727502997, ClinGen allele CA005476.